The following is an entry in ClinVar:

ClinVar aggregate classification (germline): Uncertain significance. Review status: criteria provided, multiple submitters, no conflicts (2 of 4 stars). 2 submissions from 2 submitters: Uncertain significance (2). Last evaluated 2024-04-30.

Conditions:
Ellis-van Creveld syndrome (EVC). Also called: Chondroectodermal dysplasia; MESOECTODERMAL DYSPLASIA. Identifiers: Orphanet 289, MedGen C0013903, MONDO:0009162, OMIM 225500.
Curry-Hall syndrome (WAD). Also called: WEYERS ACRODENTAL DYSOSTOSIS. Identifiers: Orphanet 952, MedGen C0457013, MONDO:0008673, OMIM 193530.

Allele frequency attached by ClinVar (database versions not stated): gnomAD exomes below 0.00001 and 0.00003; ExAC 0.00001; gnomAD 0.00002; TOPMed 0.00002.
gnomAD v4.1: 49 of 1,614,056 alleles (0.003%); highest among the groups gnomAD compares: Non-Finnish European, 0.004%; no homozygotes.

Submissions (2):

Labcorp Genetics (formerly Invitae), Labcorp
Classification: Uncertain significance for Curry-Hall syndrome; Ellis-van Creveld syndrome. Last evaluated: 2024-04-30. Review status: criteria provided, single submitter. Criteria: Invitae Variant Classification Sherloc (09022015). Collection method: clinical testing. Allele origin: germline.
Comment: This sequence change affects codon 235 of the EVC2 mRNA. It is a 'silent' change, meaning that it does not change the encoded amino acid sequence of the EVC2 protein. It affects a nucleotide within the consensus splice site. This variant is present in population databases (rs768647764, gnomAD 0.004%). This variant has not been reported in the literature in individuals affected with EVC2-related conditions. ClinVar contains an entry for this variant (Variation ID: 871382). Algorithms developed to predict the effect of sequence changes on RNA splicing suggest that this variant may disrupt the consensus splice site. In summary, the available evidence is currently insufficient to determine the role of this variant in disease. Therefore, it has been classified as a Variant of Uncertain Significance.

CeGaT Center for Human Genetics Tuebingen
Classification: Uncertain significance. Last evaluated: 2020-09-01. Review status: criteria provided, single submitter. Criteria: CeGaT Center For Human Genetics Tuebingen Variant Classification Criteria Version 2. Collection method: clinical testing. Allele origin: germline. Affected: yes. Observed: 2 variant alleles.

NM_147127.5(EVC2):c.705A>G (p.Gln235=)

Gene: EVC2 (EvC ciliary complex subunit 2; minus strand). Cytogenetic location: 4p16.2.
Variant type: single nucleotide variant.
Coding change: c.705A>G on transcript NM_147127.5 (MANE Select); coding-DNA position 705, A replaced by G.
Protein change: p.Gln235=; no amino-acid change (glutamine 235 retained).
Molecular consequence: synonymous variant.
Genome position (GRCh38, 1-based): chr4:5,689,158, T>C on the plus strand (A>G on the coding strand, the complement: EVC2 is on the minus strand). VCF-style: chr4-5689158-T-C. GRCh37 (hg19) VCF-style: chr4-5690885-T-C.
Other names: c.465A>G, p.Gln155= (NM_001166136.2).
Identifiers: ClinVar variation 871382 (VCV000871382.43), dbSNP rs768647764, ClinGen allele CA2835365.